The following is an entry in ClinVar:

NM_000022.4(ADA):c.778G>C (p.Glu260Gln)

Gene: ADA (adenosine deaminase; minus strand). Cytogenetic location: 20q13.12.
Variant type: single nucleotide variant.
Coding change: c.778G>C on transcript NM_000022.4 (MANE Select); coding-DNA position 778, G replaced by C.
Protein change: p.Glu260Gln; replaces glutamic acid 260 with glutamine.
Molecular consequence: missense variant. On other transcripts: non-coding transcript variant (1).
Genome position (GRCh38, 1-based): chr20:44,622,831, C>G on the plus strand (G>C on the coding strand, the complement: ADA is on the minus strand). VCF-style: chr20-44622831-C-G. GRCh37 (hg19) VCF-style: chr20-43251472-C-G.
Other names: c.373G>C, p.Glu125Gln (NM_001322050.2); c.706G>C, p.Glu236Gln (NM_001322051.2); short protein forms E125Q, E236Q, E260Q.
Identifiers: ClinVar variation 3385268 (VCV003385268.1).
Genomic context (GRCh38, chr20:44,622,831, plus strand): 5'-CTATACAGGAAGTTGGGACAGCCGGGGATGGTTCCTCCCCACTCCCTGGCCCGCTTACCT[C>G]GAAGTGCATGTTTTCCTGCCGCAGCCTGTTATAAAGGGCCTGGTCTTCCAGGGTGTGGTA-3'
Protein context (NP_000013.2, residues 250-270): NRLRQENMHF[Glu260Gln]ICPWSSYLTG

ClinVar aggregate classification (germline): Uncertain significance (1 of 4 stars; one submission).

Submission:

Women's Health and Genetics/Laboratory Corporation of America, LabCorp
Classification: Uncertain significance. Last evaluated: 2024-10-16. Review status: criteria provided, single submitter. Criteria: LabCorp Variant Classification Summary - May 2015. Collection method: clinical testing. Allele origin: germline.
Comment: Variant summary: ADA c.778G>C (p.Glu260Gln) results in a conservative amino acid change in the encoded protein sequence. Four of five in-silico tools predict a damaging effect of the variant on protein function. Consensus agreement among computation tools predict no significant impact on normal splicing. However, these predictions have yet to be confirmed by functional studies. The variant was absent in 251488 control chromosomes. c.778G>C has been reported in the literature in the homozygous state in at leaste one individual affected with Severe Combined Immunodeficiency (e.g. Sharafian_2022). These data indicate that the variant may be associated with disease. To our knowledge, no experimental evidence demonstrating an impact on protein function has been reported. The following publication have been ascertained in the context of this evaluation (PMID: 35906326). ClinVar contains an entry for this variant (Variation ID: 1383080). Based on the evidence outlined above, the variant was classified as VUS-possibly pathogenic.

Literature cited by the submitters: PubMed 35906326.